The following is an entry in ClinVar:

ClinVar aggregate classification (germline): Uncertain significance. Review status: criteria provided, multiple submitters, no conflicts (2 of 4 stars). 6 submissions from 6 submitters: Uncertain significance (6). Last evaluated 2025-12-21.

Conditions:
RYR1-related disorder. Also called: RYR1-related condition; RYR1-related disorders. Identifiers: MedGen CN239331.
Malignant hyperthermia, susceptibility to, 1 (MHS1). Also called: Anesthesia related hyperthermia; Malignant hyperpyrexia; Fulminating hyperpyrexia; Pharmacogenic myopathy; RYR1-Related Malignant Hyperthermia Susceptibility; Malignant hyperthermia suceptibility 1. Identifiers: Orphanet 423, MedGen C2930980, MONDO:0007783, OMIM 145600.

Allele frequency attached by ClinVar (database versions not stated): gnomAD 0.00001; TOPMed 0.00003; gnomAD exomes 0.00005; ExAC 0.00007.
gnomAD v4.1: 28 of 1,613,200 alleles (0.0017%); highest among the groups gnomAD compares: Admixed American, 0.005%; no homozygotes.

Submissions (6):

Labcorp Genetics (formerly Invitae), Labcorp
Classification: Uncertain significance for RYR1-related disorder. Last evaluated: 2025-12-21. Review status: criteria provided, single submitter. Criteria: Invitae Variant Classification Sherloc (09022015). Collection method: clinical testing. Allele origin: germline.
Comment: This sequence change replaces arginine, which is basic and polar, with histidine, which is basic and polar, at codon 644 of the RYR1 protein (p.Arg644His). This variant is present in population databases (rs766150328, gnomAD 0.009%). This variant has not been reported in the literature in individuals affected with RYR1-related conditions. ClinVar contains an entry for this variant (Variation ID: 194814). Invitae Evidence Modeling of protein sequence and biophysical properties (such as structural, functional, and spatial information, amino acid conservation, physicochemical variation, residue mobility, and thermodynamic stability) indicates that this missense variant is expected to disrupt RYR1 protein function with a positive predictive value of 95%. In summary, the available evidence is currently insufficient to determine the role of this variant in disease. Therefore, it has been classified as a Variant of Uncertain Significance.

Revvity Omics, Revvity
Classification: Uncertain significance. Last evaluated: 2025-02-21. Review status: criteria provided, single submitter. Criteria: ACMG Guidelines, 2015. Collection method: clinical testing. Allele origin: germline.

Women's Health and Genetics/Laboratory Corporation of America, LabCorp
Classification: Uncertain significance. Last evaluated: 2024-11-01. Review status: criteria provided, single submitter. Criteria: LabCorp Variant Classification Summary - May 2015. Collection method: clinical testing. Allele origin: germline.
Comment: Variant summary: RYR1 c.1931G>A (p.Arg644His) results in a non-conservative amino acid change located in the B30.2/SPRY domain (IPR001870) of the encoded protein sequence. Five of five in-silico tools predict a damaging effect of the variant on protein function. The variant allele was found at a frequency of 5.2e-05 in 250488 control chromosomes (gnomAD). c.1931G>A has been reported in the literature (Stranneheim_2021). This report however, does not provide unequivocal conclusions about association of the variant with Congenital Multicore Myopathy With External Ophthalmoplegia. To our knowledge, no experimental evidence demonstrating an impact on protein function has been reported. The following publication has been ascertained in the context of this evaluation (PMID: 33726816). ClinVar contains an entry for this variant (Variation ID: 194814). Based on the evidence outlined above, the variant was classified as uncertain significance.

Color Diagnostics, LLC DBA Color Health
Classification: Uncertain significance for Malignant hyperthermia, susceptibility to, 1. Last evaluated: 2024-05-13. Review status: criteria provided, single submitter. Criteria: ACMG Guidelines, 2015. Collection method: clinical testing. Allele origin: germline.
Comment: This missense variant replaces arginine with histidine at codon 644 of the RYR1 protein. Computational prediction suggests that this variant may have deleterious impact on protein structure and function. To our knowledge, functional studies have not been reported for this variant. This variant has not been reported in individuals affected with RYR1-related disorders in the literature. This variant has been identified in 13/250488 chromosomes in the general population by the Genome Aggregation Database (gnomAD). The available evidence is insufficient to determine the role of this variant in disease conclusively. Therefore, this variant is classified as a Variant of Uncertain Significance.

CeGaT Center for Human Genetics Tuebingen
Classification: Uncertain significance. Last evaluated: 2019-03-01. Review status: criteria provided, single submitter. Criteria: CeGaT Center For Human Genetics Tuebingen Variant Classification Criteria Version 2. Collection method: clinical testing. Allele origin: germline. Affected: yes. Observed: 1 variant allele.

Eurofins Ntd Llc (ga)
Classification: Uncertain significance. Last evaluated: 2014-07-11. Review status: criteria provided, single submitter. Criteria: EGL Classification Definitions 2015. Collection method: clinical testing. Allele origin: germline. Observed: 1 variant allele, 1 heterozygote.

Literature cited by the submitters: PubMed 33726816 (cited by Women's Health and Genetics/Laboratory Corporation of America, LabCorp).

NM_000540.3(RYR1):c.1931G>A (p.Arg644His)

Gene: RYR1 (ryanodine receptor 1; plus strand). Cytogenetic location: 19q13.2.
Variant type: single nucleotide variant.
Coding change: c.1931G>A on transcript NM_000540.3 (MANE Select); coding-DNA position 1931, G replaced by A.
Protein change: p.Arg644His; replaces arginine 644 with histidine.
Molecular consequence: missense variant.
Genome position (GRCh38, 1-based): chr19:38,458,056, G>A. VCF-style: chr19-38458056-G-A. GRCh37 (hg19) VCF-style: chr19-38948696-G-A.
Other names: c.1931G>A, p.Arg644His (NM_001042723.2); short protein forms R644H.
Identifiers: ClinVar variation 194814 (VCV000194814.55), dbSNP rs766150328, ClinGen allele CA024323.
Genomic context (GRCh38, chr19:38,458,056, plus strand): 5'-GGCTCTCCTCTCTGCCTCTCCGTCATCCCCCTCTCCTGTCCCATCTCTCCTGCAGCATCC[G>A]CCCCAACATCTTTGTGGGCCGAGCGGAAGGCACCACGCAGTACAGCAAATGGTACTTTGA-3'
Protein context (NP_000531.2, residues 634-654): TNLINYVTSI[Arg644His]PNIFVGRAEG